The following is an entry in ClinVar:

ClinVar aggregate classification (germline): Uncertain significance (1 of 4 stars; one submission).

Conditions:
Progressive sclerosing poliodystrophy (MTDPS4A). Also called: Mitochondrial DNA Depletion Syndrome 4A; ALPERS PROGRESSIVE INFANTILE POLIODYSTROPHY; NEURONAL DEGENERATION OF CHILDHOOD WITH LIVER DISEASE, PROGRESSIVE; Mitochondrial DNA depletion syndrome 4A (Alpers type); Alpers Syndrome; ALPERS DIFFUSE DEGENERATION OF CEREBRAL GRAY MATTER WITH HEPATIC CIRRHOSIS. Identifiers: Orphanet 726, MedGen C0205710, MONDO:0008758, OMIM 203700.

Submission:

Labcorp Genetics (formerly Invitae), Labcorp
Classification: Uncertain significance for Progressive sclerosing poliodystrophy. Last evaluated: 2022-08-31. Review status: criteria provided, single submitter. Criteria: Invitae Variant Classification Sherloc (09022015). Collection method: clinical testing. Allele origin: germline.
Comment: In summary, the available evidence is currently insufficient to determine the role of this variant in disease. Therefore, it has been classified as a Variant of Uncertain Significance. This variant has not been reported in the literature in individuals affected with POLG-related conditions. This variant is not present in population databases (gnomAD no frequency). This variant, c.161_166dup, results in the insertion of 2 amino acid(s) of the POLG protein (p.Gln54_Gln55dup), but otherwise preserves the integrity of the reading frame.

NM_002693.3(POLG):c.161AGC[4] (p.Gln55_Pro56insGlnGln)

Genes: POLG (DNA polymerase gamma, catalytic subunit; minus strand), POLGARF (POLG alternative reading frame; minus strand). Cytogenetic location: 15q26.1.
Variant type: Microsatellite.
Coding change: c.161AGC[4] on transcript NM_002693.3 (MANE Select); four copies in a row of the 3-base unit AGC starting at c.161; the reference has two copies in a row; two copies, 6 bases duplicated.
Protein change: p.Gln55_Pro56insGlnGln.
Molecular consequence: inframe insertion.
Genome position (GRCh38, 1-based): chr15:89,333,589-89,333,594, GCTGCT duplicated on the plus strand (AGCAGC on the coding strand, the reverse complement: POLG is on the minus strand); duplicating any 6 consecutive bases within chr15:89,333,589-89,333,595 gives the same sequence; the position shown is the placement nearest the transcript's 3' end. VCF-style (leftmost placement, unchanged base first): chr15-89333588-G-GGCTGCT. GRCh37 (hg19) VCF-style: chr15-89876819-G-GGCTGCT.
Other names: c.161AGC[4], p.Gln55_Pro56insGlnGln (NM_001126131.2).
Identifiers: ClinVar variation 2021706 (VCV002021706.4), dbSNP rs751908240, ClinGen allele CA2194573150.